The following is an entry in ClinVar:

NM_000142.5(FGFR3):c.2030+9C>T

Gene: FGFR3 (fibroblast growth factor receptor 3; plus strand). Cytogenetic location: 4p16.3.
Variant type: single nucleotide variant.
Coding change: c.2030+9C>T on transcript NM_000142.5 (MANE Select); 9 bases into the intron after coding-DNA position 2030, C replaced by T.
Molecular consequence: intron variant.
Genome position (GRCh38, 1-based): chr4:1,806,336, C>T. VCF-style: chr4-1806336-C-T. GRCh37 (hg19) VCF-style: chr4-1808063-C-T.
Other names: c.2036+9C>T (NM_001163213.2); c.2033+9C>T (NM_001354809.2); c.1962+163C>T (NM_001354810.2); c.1694+9C>T (NM_022965.4).
Identifiers: ClinVar variation 756728 (VCV000756728.8), dbSNP rs373627757, ClinGen allele CA2810680.
Genomic context (GRCh38, chr4:1,806,336, plus strand): 5'-GGATGGCGCCTGAGGCCTTGTTTGACCGAGTCTACACTCACCAGAGTGACGTGTACGTGT[C>T]CTGCAGAGCTCAGGCTTCAGGGGTGGAGGCGGGAACTGGGCAGAGCCAGGACCCCAGCTG-3'

ClinVar aggregate classification (germline): Likely benign. Review status: criteria provided, multiple submitters, no conflicts (2 of 4 stars). 2 submissions from 2 submitters: Likely benign (2). Last evaluated 2025-05-30.

Conditions:
FGFR3-related disorder. Also called: FGFR3-related disorders.

Allele frequency attached by ClinVar (database versions not stated): gnomAD exomes below 0.00001; TOPMed below 0.00001; gnomAD 0.00001; ExAC 0.00002; ESP Exome Variant Server 0.00008.
gnomAD v4.1: 2 of 1,612,854 alleles (0.00012%); highest among the groups gnomAD compares: Non-Finnish European, 0.00017%; no homozygotes.

Submissions (2):

PreventionGenetics, part of Exact Sciences
Classification: Likely benign for FGFR3-related condition. Last evaluated: 2025-05-30. Review status: criteria provided, single submitter. Criteria: ACMG Guidelines, 2015. Collection method: clinical testing. Allele origin: germline.
Comment: This variant is classified as likely benign based on ACMG/AMP sequence variant interpretation guidelines (Richards et al. 2015 PMID: 25741868, with internal and published modifications).

Labcorp Genetics (formerly Invitae), Labcorp
Classification: Likely benign. Last evaluated: 2023-01-11. Review status: criteria provided, single submitter. Criteria: Invitae Variant Classification Sherloc (09022015). Collection method: clinical testing. Allele origin: germline.